The following is an entry in ClinVar:

ClinVar aggregate classification (germline): Uncertain significance (1 of 4 stars; one submission).

Allele frequency attached by ClinVar (database versions not stated): gnomAD exomes below 0.00001 and 0.00001; TOPMed below 0.00001; ExAC 0.00003.
gnomAD v4.1: 11 of 1,613,924 alleles (0.00068%); highest among the groups gnomAD compares: South Asian, 0.0066%; 1 homozygote.

Submission:

Labcorp Genetics (formerly Invitae), Labcorp
Classification: Uncertain significance. Last evaluated: 2024-09-24. Review status: criteria provided, single submitter. Criteria: Invitae Variant Classification Sherloc (09022015). Collection method: clinical testing. Allele origin: germline.
Comment: This sequence change replaces arginine, which is basic and polar, with tryptophan, which is neutral and slightly polar, at codon 4393 of the DNAH9 protein (p.Arg4393Trp). This variant is present in population databases (rs779313442, gnomAD 0.0009%). This variant has not been reported in the literature in individuals affected with DNAH9-related conditions. ClinVar contains an entry for this variant (Variation ID: 1425667). Invitae Evidence Modeling of protein sequence and biophysical properties (such as structural, functional, and spatial information, amino acid conservation, physicochemical variation, residue mobility, and thermodynamic stability) indicates that this missense variant is expected to disrupt DNAH9 protein function with a positive predictive value of 80%. In summary, the available evidence is currently insufficient to determine the role of this variant in disease. Therefore, it has been classified as a Variant of Uncertain Significance.

NM_001372.4(DNAH9):c.13177C>T (p.Arg4393Trp)

Gene: DNAH9 (dynein axonemal heavy chain 9; plus strand). Cytogenetic location: 17p12.
Variant type: single nucleotide variant.
Coding change: c.13177C>T on transcript NM_001372.4 (MANE Select); coding-DNA position 13177, C replaced by T.
Protein change: p.Arg4393Trp; replaces arginine 4393 with tryptophan.
Molecular consequence: missense variant.
Genome position (GRCh38, 1-based): chr17:11,962,200, C>T. VCF-style: chr17-11962200-C-T. GRCh37 (hg19) VCF-style: chr17-11865517-C-T.
Other names: c.2113C>T, p.Arg705Trp (NM_004662.2); short protein forms R705W, R4393W.
Identifiers: ClinVar variation 1425667 (VCV001425667.6), dbSNP rs779313442, ClinGen allele CA8398359.